The following is an entry in ClinVar:

ClinVar aggregate classification (germline): not provided (0 of 4 stars; one submission).

Conditions:
Preeclampsia. Identifiers: Orphanet 275555, MedGen C0032914, MONDO:0005081, HP:0100602.

Submission:

Institute of Molecular and Cell Biology, University of Tartu
No classification provided. Condition: Preeclampsia. Review status: no classification provided. Collection method: case-control. Allele origin: unknown. Affected: yes. Study: Kasak2014.
Comment: The study aimed to determine the contribution of copy number variants in the genetic etiology of normal and complicated pregnancies. The samples represented (i) maternal blood DNA drawn from healthy pregnant women during 1st or 2nd trimester and (ii) maternal and paternal blood DNA drawn at term pregnancy cases representing normal and complicated gestations (severe preeclampsia, PE; gestational diabetes, GD; small-for-gestational age newborn, SGA; large-for-gestational age newborn, LGA). We performed CNV calling based on genome-wide genotyping dataset (Illumina HumanOmniExpress-24-v1 BeadChip) by applying three algorithms, QuantiSNP, GADA (Genome Alteration Detection Algorithm) and CNstream in parallel. The acquired CNV calls were merged with HD-CNV (Hotspot Detector for Copy Number Variants) program and only the CNVs predicted by at least two programs, were considered in subsequent analysis.

Literature cited by the submitters: PubMed 25666259.

NC_000018.10:g.30235355_30236003del

Variant type: Deletion.
Genome position: GRCh38: chr18:30,235,355-30,236,003. GRCh37 (hg19): chr18:27,815,320-27,815,968.
Identifiers: ClinVar variation 157412 (VCV000157412.3), dbSNP rs1555628672, ClinGen allele CA212460.